The following is an entry in ClinVar:

ClinVar aggregate classification (germline): Uncertain significance (1 of 4 stars; one submission).

Conditions:
Arginase deficiency. Also called: Arginase 1 Deficiency; ARGININEMIA; ARG1 DEFICIENCY. Identifiers: Orphanet 90, MedGen C0268548, MONDO:0008814, OMIM 207800.

Submission:

Labcorp Genetics (formerly Invitae), Labcorp
Classification: Uncertain significance for Arginase deficiency. Last evaluated: 2022-05-04. Review status: criteria provided, single submitter. Criteria: Invitae Variant Classification Sherloc (09022015). Collection method: clinical testing. Allele origin: germline.
Comment: In summary, the available evidence is currently insufficient to determine the role of this variant in disease. Therefore, it has been classified as a Variant of Uncertain Significance. Algorithms developed to predict the effect of missense changes on protein structure and function (SIFT, PolyPhen-2, Align-GVGD) all suggest that this variant is likely to be disruptive. This variant has not been reported in the literature in individuals affected with ARG1-related conditions. This variant is not present in population databases (gnomAD no frequency). This sequence change replaces tryptophan, which is neutral and slightly polar, with glycine, which is neutral and non-polar, at codon 122 of the ARG1 protein (p.Trp122Gly).

NM_000045.4(ARG1):c.364T>G (p.Trp122Gly)

Genes: ARG1 (arginase 1; plus strand), MED23 (mediator complex subunit 23; minus strand). Cytogenetic location: 6q23.2.
Variant type: single nucleotide variant.
Coding change: c.364T>G on transcript NM_000045.4 (MANE Select); coding-DNA position 364, T replaced by G.
Protein change: p.Trp122Gly; replaces tryptophan 122 with glycine.
Molecular consequence: missense variant. On other transcripts: non-coding transcript variant (1), intron variant (3).
Genome position (GRCh38, 1-based): chr6:131,581,277, T>G. VCF-style: chr6-131581277-T-G. GRCh37 (hg19) VCF-style: chr6-131902417-T-G.
Other names: c.388T>G, p.Trp130Gly (NM_001244438.2); c.306-1783T>G (NM_001369020.1); c.4077+6432A>C (NM_001270521.2); c.4095+6432A>C (NM_015979.4); short protein forms W122G, W130G.
Identifiers: ClinVar variation 2133555 (VCV002133555.4), dbSNP rs2482368991, ClinGen allele CA365651010.